The following is an entry in ClinVar:

ClinVar aggregate classification (germline): Conflicting classifications of pathogenicity. Review status: criteria provided, conflicting classifications (1 of 4 stars). 3 submissions from 3 submitters: Likely pathogenic (1); Uncertain significance (2). Last evaluated 2025-12-08.

Conditions:
Anemia, nonspherocytic hemolytic, due to G6PD deficiency (CNSHA1). Also called: Class I glucose-6-phosphate dehydrogenase deficiency; Hemolytic anemia due to G6PD deficiency; Favism, susceptibility to; ANEMIA, CONGENITAL, NONSPHEROCYTIC HEMOLYTIC, 1. Identifiers: Orphanet 466026, MedGen C2720289, MONDO:0010480, OMIM 300908.

Allele frequency attached by ClinVar (database versions not stated): gnomAD 0.00001; gnomAD exomes 0.00001 and below 0.00001; TOPMed below 0.00001; ExAC 0.00001.
gnomAD v4.1: 5 of 1,210,612 alleles (0.00041%); highest among the groups gnomAD compares: Non-Finnish European, 0.00034%; no homozygotes.

Submissions (3):

Labcorp Genetics (formerly Invitae), Labcorp
Classification: Uncertain significance for Anemia, nonspherocytic hemolytic, due to G6PD deficiency. Last evaluated: 2025-12-08. Review status: criteria provided, single submitter. Criteria: Invitae Variant Classification Sherloc (09022015). Collection method: clinical testing. Allele origin: germline.
Comment: This sequence change replaces isoleucine, which is neutral and non-polar, with methionine, which is neutral and non-polar, at codon 220 of the G6PD protein (p.Ile220Met). This variant is present in population databases (rs782771682, gnomAD no frequency). This missense change has been observed in individual(s) with G6PD-related symptoms (PMID: 21637675, 28028996). ClinVar contains an entry for this variant (Variation ID: 643800). Invitae Evidence Modeling of protein sequence and biophysical properties (such as structural, functional, and spatial information, amino acid conservation, physicochemical variation, residue mobility, and thermodynamic stability) indicates that this missense variant is expected to disrupt G6PD protein function with a positive predictive value of 95%. In summary, the available evidence is currently insufficient to determine the role of this variant in disease. Therefore, it has been classified as a Variant of Uncertain Significance.

Dasa
Classification: Uncertain significance. Last evaluated: 2025-10-30. Review status: criteria provided, single submitter. Criteria: DASA Assertion Criteria. Collection method: clinical testing. Allele origin: germline.
Comment: NM_001360016.2(G6PD):c.660C>G (p.Ile220Met) is a missense variant that results in the substitution of isoleucine with methionine. This variant has been recurrently observed in individuals with G6PD-related disorders (PMID: 21637675; PMID: 27941691; PMID: 28028996; PMID: 29300386). Also, this variant is rare in population databases. Computational prediction algorithms are consistent with a deleterious effect. The currently available literature and clinical evidence are not sufficient to establish a definitive association between this variant and the reported condition. Therefore, this variant is classified as a variant of uncertain significance.

Dunham Lab, University of Washington
Classification: Likely pathogenic for Anemia, nonspherocytic hemolytic, due to G6PD deficiency. Last evaluated: 2022-08-12. Review status: criteria provided, single submitter. Criteria: Bayesian ACMG Guidelines, 2018. Collection method: curation. Allele origin: unknown. Affected: yes.
Comment: Variant found in unrelated hemizygotes with G6PD deficiency and anemia (PS4_M, PP4). Decreased activity in red blood cells (64%) (PS3). Below expected carrier frequency in gnomAD (PM2). Post_P 0.988 (odds of pathogenicity 729.3, Prior_P 0.1).

Literature cited by the submitters: PubMed 21637675 (cited by 3 submitters); PubMed 28028996 (cited by 3 submitters); PubMed 27941691 (cited by Dasa); PubMed 29300386 (cited by Dasa).

NM_001360016.2(G6PD):c.660C>G (p.Ile220Met)

Gene: G6PD (glucose-6-phosphate dehydrogenase; minus strand). Cytogenetic location: Xq28.
Variant type: single nucleotide variant.
Coding change: c.660C>G on transcript NM_001360016.2 (MANE Select); coding-DNA position 660, C replaced by G.
Protein change: p.Ile220Met; replaces isoleucine 220 with methionine.
Molecular consequence: missense variant.
Genome position (GRCh38, 1-based): chrX:154,534,145, G>C on the plus strand (C>G on the coding strand, the complement: G6PD is on the minus strand). VCF-style: chrX-154534145-G-C. GRCh37 (hg19) VCF-style: chrX-153762360-G-C.
Other names: G6PD Sao Paulo; c.750C>G, p.Ile250Met (NM_000402.4); c.660C>G, p.Ile220Met (NM_001042351.3); short protein forms I250M, I220M.
Identifiers: ClinVar variation 643800 (VCV000643800.13), dbSNP rs782771682, ClinGen allele CA10566184.